The following is an entry in ClinVar:

NM_000069.3(CACNA1S):c.5215G>T (p.Ala1739Ser)

Gene: CACNA1S (calcium voltage-gated channel subunit alpha1 S; minus strand). Cytogenetic location: 1q32.1.
Variant type: single nucleotide variant.
Coding change: c.5215G>T on transcript NM_000069.3 (MANE Select); coding-DNA position 5215, G replaced by T.
Protein change: p.Ala1739Ser; replaces alanine 1739 with serine.
Molecular consequence: missense variant.
Genome position (GRCh38, 1-based): chr1:201,040,633, C>A on the plus strand (G>T on the coding strand, the complement: CACNA1S is on the minus strand). VCF-style: chr1-201040633-C-A. GRCh37 (hg19) VCF-style: chr1-201009761-C-A.
Other names: short protein forms A1739S.
Identifiers: ClinVar variation 2172609 (VCV002172609.4), dbSNP rs542268566, ClinGen allele CA083761.

ClinVar aggregate classification (germline): Uncertain significance (1 of 4 stars; one submission).

Conditions:
Malignant hyperthermia, susceptibility to, 5 (MHS5). Also called: CACNA1S-Related Malignant Hyperthermia Susceptibility. Identifiers: Orphanet 423, MedGen C1866077, MONDO:0011163, OMIM 601887.
Hypokalemic periodic paralysis, type 1. Also called: Hypokalemic Periodic Paralysis Type 1 (AD); HypoPP. Identifiers: Orphanet 681, MedGen C3714580, MONDO:0042979, OMIM 170400.

gnomAD v4.1: 1 of 1,613,756 alleles (0.000062%); highest among the groups gnomAD compares: Non-Finnish European, 0.000085%; no homozygotes.

Submission:

Labcorp Genetics (formerly Invitae), Labcorp
Classification: Uncertain significance for Hypokalemic periodic paralysis, type 1; Malignant hyperthermia, susceptibility to, 5. Last evaluated: 2022-07-23. Review status: criteria provided, single submitter. Criteria: Invitae Variant Classification Sherloc (09022015). Collection method: clinical testing. Allele origin: germline.
Comment: In summary, the available evidence is currently insufficient to determine the role of this variant in disease. Therefore, it has been classified as a Variant of Uncertain Significance. Advanced modeling of protein sequence and biophysical properties (such as structural, functional, and spatial information, amino acid conservation, physicochemical variation, residue mobility, and thermodynamic stability) performed at Invitae indicates that this missense variant is not expected to disrupt CACNA1S protein function. This variant is present in population databases (rs542268566, gnomAD 0.0009%). This sequence change replaces alanine, which is neutral and non-polar, with serine, which is neutral and polar, at codon 1739 of the CACNA1S protein (p.Ala1739Ser). This variant has not been reported in the literature in individuals affected with CACNA1S-related conditions.